The following is an entry in ClinVar:

ClinVar aggregate classification (germline): Uncertain significance. Review status: criteria provided, multiple submitters, no conflicts (2 of 4 stars). 3 submissions from 3 submitters: Uncertain significance (3). Last evaluated 2023-09-09.

Conditions:
Hereditary cancer-predisposing syndrome. Also called: Hereditary neoplastic syndrome; Tumor predisposition; Neoplastic Syndromes, Hereditary; Hereditary Cancer Syndrome. Identifiers: Orphanet 140162, MedGen C0027672, MeSH D009386, MONDO:0015356.

Allele frequency attached by ClinVar (database versions not stated): TOPMed below 0.00001.
gnomAD v4.1: 1 of 1,613,266 alleles (0.000062%); highest among the groups gnomAD compares: Non-Finnish European, 0.000085%; no homozygotes.

Submissions (3):

Labcorp Genetics (formerly Invitae), Labcorp
Classification: Uncertain significance. Last evaluated: 2023-09-09. Review status: criteria provided, single submitter. Criteria: Invitae Variant Classification Sherloc (09022015). Collection method: clinical testing. Allele origin: germline.
Comment: In summary, the available evidence is currently insufficient to determine the role of this variant in disease. Therefore, it has been classified as a Variant of Uncertain Significance. Advanced modeling of protein sequence and biophysical properties (such as structural, functional, and spatial information, amino acid conservation, physicochemical variation, residue mobility, and thermodynamic stability) performed at Invitae indicates that this missense variant is not expected to disrupt POLE protein function. ClinVar contains an entry for this variant (Variation ID: 1692915). This variant has not been reported in the literature in individuals affected with POLE-related conditions. This variant is not present in population databases (gnomAD no frequency). This sequence change replaces isoleucine, which is neutral and non-polar, with valine, which is neutral and non-polar, at codon 312 of the POLE protein (p.Ile312Val).

Sema4
Classification: Uncertain significance for Hereditary cancer-predisposing syndrome. Last evaluated: 2021-04-05. Review status: criteria provided, single submitter. Criteria: Sema4 Curation Guidelines. Collection method: curation. Allele origin: germline.
Comment: The POLE c.934A>G (p.I312V) variant has not been reported in the literature to our knowledge. This variant was not observed in 250682 chromosomes tested in the large and broad cohorts of the Genome Aggregation Database. The variant has been not reported in ClinVar. Functional studies have not been performed, and in silico predictions of the variant's effect on protein function are inconclusive. The overall evidence is insufficient to meet ACMG/AMP criteria for classifying it as benign or pathogenic. In summary, the clinical significance of this variant is currently uncertain.

Ambry Genetics
Classification: Uncertain significance for Hereditary cancer-predisposing syndrome. Last evaluated: 2021-03-07. Review status: criteria provided, single submitter. Criteria: Ambry Variant Classification Scheme 2023. Collection method: clinical testing. Allele origin: germline.
Comment: The p.I312V variant (also known as c.934A>G), located in coding exon 10 of the POLE gene, results from an A to G substitution at nucleotide position 934. The isoleucine at codon 312 is replaced by valine, an amino acid with highly similar properties. This amino acid position is highly conserved in available vertebrate species. In addition, this alteration is predicted to be tolerated by in silico analysis. Since supporting evidence is limited at this time, the clinical significance of this alteration remains unclear.

NM_006231.4(POLE):c.934A>G (p.Ile312Val)

Gene: POLE (DNA polymerase epsilon, catalytic subunit; minus strand). Cytogenetic location: 12q24.33.
Variant type: single nucleotide variant.
Coding change: c.934A>G on transcript NM_006231.4 (MANE Select); coding-DNA position 934, A replaced by G.
Protein change: p.Ile312Val; replaces isoleucine 312 with valine.
Molecular consequence: missense variant.
Genome position (GRCh38, 1-based): chr12:132,676,180, T>C on the plus strand (A>G on the coding strand, the complement: POLE is on the minus strand). VCF-style: chr12-132676180-T-C. GRCh37 (hg19) VCF-style: chr12-133252766-T-C.
Other names: short protein forms I312V.
Identifiers: ClinVar variation 1692915 (VCV001692915.6), dbSNP rs1008022121, ClinGen allele CA246298815.